The following is an entry in ClinVar:

ClinVar aggregate classification (germline): Uncertain significance (1 of 4 stars; one submission).

Submission:

Women's Health and Genetics/Laboratory Corporation of America, LabCorp
Classification: Uncertain significance. Last evaluated: 2025-09-30. Review status: criteria provided, single submitter. Criteria: LabCorp Variant Classification Summary - May 2015. Collection method: clinical testing. Allele origin: germline.
Comment: Variant summary: CHRNA1 c.589G>A (p.Val197Met) results in a conservative amino acid change in the encoded protein sequence. Algorithms developed to predict the effect of missense changes on protein structure and function are either unavailable or do not agree on the potential impact of this missense change. The variant was absent in 251272 control chromosomes. The available data on variant occurrences in the general population are insufficient to allow any conclusion about variant significance. To our knowledge, no occurrence of c.589G>A in individuals affected with CHRNA1-related conditions has been reported. One publication reports experimental evidence evaluating an impact on protein function, however, does not allow convincing conclusions about the variant effect (e.g. Groot-Kormelink_2016). The following publication has been ascertained in the context of this evaluation (PMID: 27649498). No submitters have cited clinical-significance assessments for this variant to ClinVar. Based on the evidence outlined above, the variant was classified as uncertain significance.

Literature cited by the submitters: PubMed 27649498.

NM_000079.4(CHRNA1):c.589G>A (p.Val197Met)

Gene: CHRNA1 (cholinergic receptor nicotinic alpha 1 subunit; minus strand). Cytogenetic location: 2q31.1.
Variant type: single nucleotide variant.
Coding change: c.589G>A on transcript NM_000079.4 (MANE Select); coding-DNA position 589, G replaced by A.
Protein change: p.Val197Met; replaces valine 197 with methionine.
Molecular consequence: missense variant.
Genome position (GRCh38, 1-based): chr2:174,753,692, C>T on the plus strand (G>A on the coding strand, the complement: CHRNA1 is on the minus strand). VCF-style: chr2-174753692-C-T. GRCh37 (hg19) VCF-style: chr2-175618420-C-T.
Other names: c.664G>A, p.Val222Met (NM_001039523.3); short protein forms V197M, V222M.
Identifiers: ClinVar variation 4535958 (VCV004535958.1).